The following is an entry in ClinVar:

ClinVar aggregate classification (germline): Uncertain significance. Review status: criteria provided, multiple submitters, no conflicts (2 of 4 stars). 2 submissions from 2 submitters: Uncertain significance (2). Last evaluated 2025-11-14.

Conditions:
Hereditary cancer-predisposing syndrome. Also called: Neoplastic Syndromes, Hereditary; Tumor predisposition; Hereditary Cancer Syndrome; Hereditary neoplastic syndrome. Identifiers: Orphanet 140162, MedGen C0027672, MeSH D009386, MONDO:0015356.

Submissions (2):

Ambry Genetics
Classification: Uncertain significance for Hereditary cancer-predisposing syndrome. Last evaluated: 2025-11-14. Review status: criteria provided, single submitter. Criteria: Ambry Variant Classification Scheme 2023. Collection method: clinical testing. Allele origin: germline.
Comment: The p.Q227H variant (also known as c.681G>T), located in coding exon 5 of the FH gene, results from a G to T substitution at nucleotide position 681. The glutamine at codon 227 is replaced by histidine, an amino acid with highly similar properties. This amino acid position is not well conserved in available vertebrate species, and histidine is the reference amino acid in other vertebrate species. In addition, this alteration is predicted to be tolerated by in silico analysis. Based on the available evidence, the clinical significance of this variant remains unclear.

Labcorp Genetics (formerly Invitae), Labcorp
Classification: Uncertain significance. Last evaluated: 2025-10-13. Review status: criteria provided, single submitter. Criteria: Invitae Variant Classification Sherloc (09022015). Collection method: clinical testing. Allele origin: germline.
Comment: This sequence change replaces glutamine, which is neutral and polar, with histidine, which is basic and polar, at codon 227 of the FH protein (p.Gln227His). This variant is present in population databases (no rsID available, gnomAD 0.007%). This variant has not been reported in the literature in individuals affected with FH-related conditions. ClinVar contains an entry for this variant (Variation ID: 1755628). Invitae Evidence Modeling of protein sequence and biophysical properties (such as structural, functional, and spatial information, amino acid conservation, physicochemical variation, residue mobility, and thermodynamic stability) indicates that this missense variant is not expected to disrupt FH protein function with a negative predictive value of 95%. In summary, the available evidence is currently insufficient to determine the role of this variant in disease. Therefore, it has been classified as a Variant of Uncertain Significance.

NM_000143.4(FH):c.681G>T (p.Gln227His)

Gene: FH (fumarate hydratase; minus strand). Cytogenetic location: 1q43.
Variant type: single nucleotide variant.
Coding change: c.681G>T on transcript NM_000143.4 (MANE Select); coding-DNA position 681, G replaced by T.
Protein change: p.Gln227His; replaces glutamine 227 with histidine.
Molecular consequence: missense variant.
Genome position (GRCh38, 1-based): chr1:241,508,660, C>A on the plus strand (G>T on the coding strand, the complement: FH is on the minus strand). VCF-style: chr1-241508660-C-A. GRCh37 (hg19) VCF-style: chr1-241671960-C-A.
Other names: short protein forms Q227H.
Identifiers: ClinVar variation 1755628 (VCV001755628.4), dbSNP rs1209612410, ClinGen allele CA345439251.
Genomic context (GRCh38, chr1:241,508,660, plus strand): 5'-TACCTGCCCAAGAGTAAGTGGAACAGCATCCTGAGTATGAGTACGTCCAATCTTGATGAT[C>A]TGTGCAAACTCTTTGGATTTTGCATCAAGAGCATCATGTAACTTCTGTAGTCCTGGTAAC-3'
Protein context (NP_000134.2, residues 217-237): ALDAKSKEFA[Gln227His]IIKIGRTHTQ